The following is an entry in ClinVar:

ClinVar aggregate classification (germline): Pathogenic/Likely pathogenic. Review status: criteria provided, multiple submitters, no conflicts (2 of 4 stars). 3 submissions from 3 submitters: Pathogenic (2); Likely pathogenic (1). Last evaluated 2026-08-01.

Conditions:
Retinitis pigmentosa 39 (RP39). Identifiers: Orphanet 791, MedGen C3151138, MONDO:0013436, OMIM 613809.
USH2A-related disorder. Also called: USH2A-related disorders; USH2A-related condition. Identifiers: MedGen CN239332.

Submissions (3):

PreventionGenetics, part of Exact Sciences
Classification: Likely pathogenic for USH2A-related condition. Last evaluated: 2026-08-01. Review status: criteria provided, single submitter. Criteria: ACMG Guidelines, 2015. Collection method: clinical testing. Allele origin: germline.
Comment: The USH2A c.15403delA variant is predicted to result in a frameshift and premature protein termination (p.Thr5135Profs*23). This variant has been reported, along with an USH2A splice variant, in an individual with Usher syndrome (see family U1483 in supplemental of Mansard et al. 2021. PubMed ID: 34948090). This variant was also observed in an inherited retinal diseases cohort, however additional information was not provided (Table S1, Karali et al. 2022. PubMed ID: 36460718). This variant is reported in 0.016% of alleles in individuals of African descent in gnomAD. Frameshift variants in USH2A are expected to be pathogenic. This variant occurs in the penultimate exon and may not result in nonsense mediated decay. However, downstream protein truncating variants have been reported in individuals with USH2A-related disease (see for example: c.15575_15579del in Table S2 of Gao et al. 2019. PubMed ID: 31054281). Given the evidence, this variant is interpreted as likely pathogenic.

Labcorp Genetics (formerly Invitae), Labcorp
Classification: Pathogenic. Last evaluated: 2025-12-21. Review status: criteria provided, single submitter. Criteria: Invitae Variant Classification Sherloc (09022015). Collection method: clinical testing. Allele origin: germline.
Comment: This sequence change creates a premature translational stop signal (p.Thr5135Profs*23) in the USH2A gene. It is expected to result in an absent or disrupted protein product. Loss-of-function variants in USH2A are known to be pathogenic (PMID: 10729113, 10909849, 20507924, 25649381). This variant is present in population databases (rs770984400, gnomAD 0.02%). This variant has not been reported in the literature in individuals affected with USH2A-related conditions. ClinVar contains an entry for this variant (Variation ID: 655791). For these reasons, this variant has been classified as Pathogenic.

Baylor Genetics
Classification: Pathogenic for Retinitis pigmentosa 39. Last evaluated: 2023-10-25. Review status: criteria provided, single submitter. Criteria: ACMG Guidelines, 2015. Collection method: clinical testing. Allele origin: unknown.

Literature cited by the submitters: PubMed 10729113 (cited by Labcorp Genetics (formerly Invitae), Labcorp); PubMed 10909849 (cited by Labcorp Genetics (formerly Invitae), Labcorp); PubMed 20507924 (cited by Labcorp Genetics (formerly Invitae), Labcorp); PubMed 25649381 (cited by Labcorp Genetics (formerly Invitae), Labcorp).

NM_206933.4(USH2A):c.15403del (p.Thr5135fs)

Gene: USH2A (usherin; minus strand). Cytogenetic location: 1q41.
Variant type: Deletion.
Coding change: c.15403del on transcript NM_206933.4 (MANE Select); coding-DNA position 15403, one base deleted (A; older notation c.15403delA).
Protein change: p.Thr5135fs; shifts the reading frame from threonine 5135.
Molecular consequence: frameshift variant.
Genome position (GRCh38, 1-based): chr1:215,628,930, T deleted on the plus strand (A on the coding strand, the reverse complement: USH2A is on the minus strand); the first of 2 consecutive T bases (chr1:215,628,930-215,628,931); deleting either gives the same sequence. VCF-style (leftmost placement, unchanged base first): chr1-215628929-GT-G. GRCh37 (hg19) VCF-style: chr1-215802271-GT-G.
Other names: c.15403delA (NM_206933.2); short protein forms T5135fs.
Identifiers: ClinVar variation 655791 (VCV000655791.9), dbSNP rs770984400, ClinGen allele CA1392683.
Genomic context (GRCh38, chr1:215,628,929, plus strand): 5'-TTCTTGTCTTGAATGTCCATGAGCTGGCTGACGCTGCGGTGAAGAGAACCCTGGGAGTAG[GT>G]TAGGCTGGTTTGGTTTTGACTCGGGATGCGCAGGACACATGCACTCCGGTTGCTGCGGAT-3'